The following is an entry in ClinVar:

NM_177924.5(ASAH1):c.973A>C (p.Lys325Gln)

Gene: ASAH1 (N-acylsphingosine amidohydrolase 1; minus strand). Cytogenetic location: 8p22.
Variant type: single nucleotide variant.
Coding change: c.973A>C on transcript NM_177924.5 (MANE Select); coding-DNA position 973, A replaced by C.
Protein change: p.Lys325Gln; replaces lysine 325 with glutamine.
Molecular consequence: missense variant.
Genome position (GRCh38, 1-based): chr8:18,059,409, T>G on the plus strand (A>C on the coding strand, the complement: ASAH1 is on the minus strand). VCF-style: chr8-18059409-T-G. GRCh37 (hg19) VCF-style: chr8-17916918-T-G.
Other names: c.955A>C, p.Lys319Gln (NM_001127505.3); c.778A>C, p.Lys260Gln (NM_001363743.2); c.1021A>C, p.Lys341Gln (NM_004315.6); short protein forms K341Q, K319Q, K260Q, K325Q.
Identifiers: ClinVar variation 1511835 (VCV001511835.6), dbSNP rs766046022, ClinGen allele CA370427476.

ClinVar aggregate classification (germline): Uncertain significance (1 of 4 stars; one submission).

gnomAD v4.1: 3 of 1,614,200 alleles (0.00019%); highest among the groups gnomAD compares: Non-Finnish European, 0.00025%; no homozygotes.

Submission:

Labcorp Genetics (formerly Invitae), Labcorp
Classification: Uncertain significance. Last evaluated: 2023-12-11. Review status: criteria provided, single submitter. Criteria: Invitae Variant Classification Sherloc (09022015). Collection method: clinical testing. Allele origin: germline.
Comment: This sequence change replaces lysine, which is basic and polar, with glutamine, which is neutral and polar, at codon 325 of the ASAH1 protein (p.Lys325Gln). This variant is not present in population databases (gnomAD no frequency). This variant has not been reported in the literature in individuals affected with ASAH1-related conditions. ClinVar contains an entry for this variant (Variation ID: 1511835). Advanced modeling of protein sequence and biophysical properties (such as structural, functional, and spatial information, amino acid conservation, physicochemical variation, residue mobility, and thermodynamic stability) performed at Invitae indicates that this missense variant is not expected to disrupt ASAH1 protein function with a negative predictive value of 80%. In summary, the available evidence is currently insufficient to determine the role of this variant in disease. Therefore, it has been classified as a Variant of Uncertain Significance.